The following is an entry in ClinVar:

NM_018896.5(CACNA1G):c.1364C>T (p.Ser455Phe)

Gene: CACNA1G (calcium voltage-gated channel subunit alpha1 G; plus strand). Cytogenetic location: 17q21.33.
Variant type: single nucleotide variant.
Coding change: c.1364C>T on transcript NM_018896.5 (MANE Select); coding-DNA position 1364, C replaced by T.
Protein change: p.Ser455Phe; replaces serine 455 with phenylalanine.
Molecular consequence: missense variant. On other transcripts: non-coding transcript variant (5).
Genome position (GRCh38, 1-based): chr17:50,575,766, C>T. VCF-style: chr17-50575766-C-T. GRCh37 (hg19) VCF-style: chr17-48653127-C-T.
Other names: c.1364C>T, p.Ser455Phe (NM_001256324.2, NM_001256325.2, NM_001256326.2 and 24 more transcripts); short protein forms S455F.
Identifiers: ClinVar variation 3362841 (VCV003362841.3).

ClinVar aggregate classification (germline): Uncertain significance (1 of 4 stars; one submission).

Conditions:
Spinocerebellar ataxia type 42. Identifiers: Orphanet 458803, MedGen C4225205, MONDO:0014776, OMIM 616795.

gnomAD v4.1: 3 of 1,560,572 alleles (0.00019%); highest among the groups gnomAD compares: South Asian, 0.0024%; no homozygotes.

Submission:

Neuberg Centre For Genomic Medicine, NCGM
Classification: Uncertain significance for Spinocerebellar ataxia type 42. Review status: criteria provided, single submitter. Criteria: ACMG Guidelines, 2015. Collection method: clinical testing. Allele origin: germline. Inheritance: Autosomal dominant inheritance. Affected: yes.
Comment: The observed missense c.1364C>T(p.Ser455Phe) variant in CACNA1G gene has not been reported previously as a pathogenic variant nor as a benign variant, to our knowledge. The p.Ser455Phe variant is absent in gnomAD Exomes database. This variant has not been submitted to the ClinVar database. Multiple lines of computational evidence (Polyphen - Benign, SIFT - Tolerated and MutationTaster -polymorphism) predict no damaging effect on protein structure and function for this variant. The reference amino acid in CACNA1G is predicted as conserved by GERP++ and PhyloP across 100 vertebrates. The amino acid Ser at position 455 is changed to a Phe changing protein sequence and it might alter its composition and physico-chemical properties. For these reasons, this variant has been classified as Uncertain Significance (VUS).